The following is an entry in ClinVar:

NM_020693.4(DSCAML1):c.2785+12_2785+13delinsTA

Gene: DSCAML1 (DS cell adhesion molecule like 1; minus strand). Cytogenetic location: 11q23.3.
Variant type: Indel.
Coding change: c.2785+12_2785+13delinsTA on transcript NM_020693.4 (MANE Select); bases 12 to 13 of the intron after coding-DNA position 2785, GC replaced by TA.
Molecular consequence: intron variant.
Genome position (GRCh38, 1-based): chr11:117,480,430-117,480,431, GC replaced by TA on the plus strand (GC replaced by TA on the coding strand, the reverse complement: DSCAML1 is on the minus strand). VCF-style: chr11-117480430-GC-TA. GRCh37 (hg19) VCF-style: chr11-117351145-GC-TA.
Other names: c.2785+12_2785+13delinsTA (NM_001367904.1).
Identifiers: ClinVar variation 2817424 (VCV002817424.3), dbSNP rs2543160083, ClinGen allele CA2739271742.

ClinVar aggregate classification (germline): Uncertain significance (1 of 4 stars; one submission).

Submission:

Labcorp Genetics (formerly Invitae), Labcorp
Classification: Uncertain significance. Last evaluated: 2023-12-30. Review status: criteria provided, single submitter. Criteria: Invitae Variant Classification Sherloc (09022015). Collection method: clinical testing. Allele origin: germline.
Comment: This sequence change falls in intron 14 of the DSCAML1 gene. It does not directly change the encoded amino acid sequence of the DSCAML1 protein. Information on the frequency of this variant in the gnomAD database is not available, as this variant may be reported differently in the database. This variant has not been reported in the literature in individuals affected with DSCAML1-related conditions. Experimental studies and prediction algorithms are not available or were not evaluated, and the effect of this variant on mRNA splicing is currently unknown. In summary, the available evidence is currently insufficient to determine the role of this variant in disease. Therefore, it has been classified as a Variant of Uncertain Significance.